The following is an entry in ClinVar:

ClinVar aggregate classification (germline): Uncertain significance. Review status: criteria provided, multiple submitters, no conflicts (2 of 4 stars). 2 submissions from 2 submitters: Uncertain significance (2). Last evaluated 2026-05-13.

Conditions:
Inborn genetic diseases. Identifiers: MedGen C0950123, MeSH D030342.

gnomAD v4.1: 3 of 1,607,204 alleles (0.00019%); highest among the groups gnomAD compares: South Asian, 0.0011%; no homozygotes.

Submissions (2):

Ambry Genetics
Classification: Uncertain significance for Inborn genetic diseases. Last evaluated: 2026-05-13. Review status: criteria provided, single submitter. Criteria: Ambry Variant Classification Scheme 2023. Collection method: clinical testing. Allele origin: germline.

CeGaT Center for Human Genetics Tuebingen
Classification: Uncertain significance. Last evaluated: 2026-03-01. Review status: criteria provided, single submitter. Criteria: CeGaT Center For Human Genetics Tuebingen Variant Classification Criteria Version 2. Collection method: clinical testing. Allele origin: germline. Affected: yes. Observed: 1 variant allele.
Comment: PUF60: PP2

NM_078480.3(PUF60):c.139G>A (p.Gly47Arg)

Gene: PUF60 (poly(U) binding splicing factor 60; minus strand). Cytogenetic location: 8q24.3.
Variant type: single nucleotide variant.
Coding change: c.139G>A on transcript NM_078480.3 (MANE Select); coding-DNA position 139, G replaced by A.
Protein change: p.Gly47Arg; replaces glycine 47 with arginine.
Molecular consequence: missense variant.
Genome position (GRCh38, 1-based): chr8:143,821,886, C>T on the plus strand (G>A on the coding strand, the complement: PUF60 is on the minus strand). VCF-style: chr8-143821886-C-T. GRCh37 (hg19) VCF-style: chr8-144904056-C-T.
Other names: c.10G>A, p.Gly4Arg (NM_001136033.3, NM_001271100.2); c.136G>A, p.Gly46Arg (NM_001271096.2, NM_001271098.2); c.52G>A, p.Gly18Arg (NM_001271097.2, NM_001271099.2); c.250G>A, p.Gly84Arg (NM_001362895.2, NM_001362896.2, NM_001362897.2); c.139G>A, p.Gly47Arg (NM_014281.5); c.139G>A (NM_078480.1); short protein forms G18R, G46R, G47R, G4R, G84R.
Identifiers: ClinVar variation 4822368 (VCV004822368.5).